The following is an entry in ClinVar:

NM_014141.6(CNTNAP2):c.2383A>G (p.Arg795Gly)

Gene: CNTNAP2 (contactin associated protein 2; plus strand). Cytogenetic location: 7q35.
Variant type: single nucleotide variant.
Coding change: c.2383A>G on transcript NM_014141.6 (MANE Select); coding-DNA position 2383, A replaced by G.
Protein change: p.Arg795Gly; replaces arginine 795 with glycine.
Molecular consequence: missense variant.
Genome position (GRCh38, 1-based): chr7:147,977,989, A>G. VCF-style: chr7-147977989-A-G. GRCh37 (hg19) VCF-style: chr7-147675081-A-G.
Other names: short protein forms R795G.
Identifiers: ClinVar variation 536320 (VCV000536320.8), dbSNP rs1327708224, ClinGen allele CA369927815.

ClinVar aggregate classification (germline): Uncertain significance (1 of 4 stars; one submission).

Conditions:
Cortical dysplasia-focal epilepsy syndrome (PTHSL1). Also called: Pitt-Hopkins-like syndrome 1. Identifiers: Orphanet 163681, Orphanet 221150, MedGen C2750246, MONDO:0012400, OMIM 610042.

Allele frequency attached by ClinVar (database versions not stated): gnomAD 0.00001; TOPMed 0.00003.
gnomAD v4.1: 1 of 1,613,850 alleles (0.000062%); highest among the groups gnomAD compares: Admixed American, 0.0017%; no homozygotes.

Submission:

Labcorp Genetics (formerly Invitae), Labcorp
Classification: Uncertain significance for Cortical dysplasia-focal epilepsy syndrome. Last evaluated: 2023-03-20. Review status: criteria provided, single submitter. Criteria: Invitae Variant Classification Sherloc (09022015). Collection method: clinical testing. Allele origin: germline.
Comment: This sequence change replaces arginine, which is basic and polar, with glycine, which is neutral and non-polar, at codon 795 of the CNTNAP2 protein (p.Arg795Gly). This variant is not present in population databases (gnomAD no frequency). This variant has not been reported in the literature in individuals affected with CNTNAP2-related conditions. ClinVar contains an entry for this variant (Variation ID: 536320). An algorithm developed to predict the effect of missense changes on protein structure and function (PolyPhen-2) suggests that this variant¬† is likely to be tolerated. Algorithms developed to predict the effect of sequence changes on RNA splicing suggest that this variant may create or strengthen a splice site. In summary, the available evidence is currently insufficient to determine the role of this variant in disease. Therefore, it has been classified as a Variant of Uncertain Significance.